The following is an entry in ClinVar:

ClinVar aggregate classification (germline): Uncertain significance. Review status: criteria provided, single submitter (1 of 4 stars). 2 submissions from 2 submitters: Uncertain significance (1). 1 of the submissions does not count toward it. Last evaluated 2021-06-28.

Conditions:
TTN-related disorder. Also called: TTN-related condition; TTN-related disease; TTN-related disorders.

Allele frequency attached by ClinVar (database versions not stated): gnomAD 0.00001; TOPMed 0.00002.
gnomAD v4.1: 3 of 1,613,152 alleles (0.00019%); highest among the groups gnomAD compares: African/African-American, 0.0027%; no homozygotes.

Submissions (2):

AiLife Diagnostics
Classification: Uncertain significance. Last evaluated: 2021-06-28. Review status: criteria provided, single submitter. Criteria: ACMG Guidelines, 2015. Collection method: clinical testing. Allele origin: germline. Affected: yes. Observed: 1 variant allele.

PreventionGenetics, part of Exact Sciences
Classification: Uncertain significance for TTN-related condition. Last evaluated: 2024-07-09. Review status: no assertion criteria provided. Collection method: clinical testing. Allele origin: germline. Not counted in ClinVar's aggregate classification.
Comment: The TTN c.80681G>C variant is predicted to result in the amino acid substitution p.Gly26894Ala. To our knowledge, this variant has not been reported in the literature or in a large population database, indicating this variant is rare. At this time, the clinical significance of this variant is uncertain due to the absence of conclusive functional and genetic evidence.

NM_001267550.2(TTN):c.80681G>C (p.Gly26894Ala)

Genes: TTN (titin; minus strand), TTN-AS1 (TTN antisense RNA 1; plus strand). Cytogenetic location: 2q31.2.
Variant type: single nucleotide variant.
Coding change: c.80681G>C on transcript NM_001267550.2 (MANE Select); coding-DNA position 80681, G replaced by C.
Protein change: p.Gly26894Ala; replaces glycine 26894 with alanine.
Molecular consequence: missense variant.
Genome position (GRCh38, 1-based): chr2:178,565,451, C>G on the plus strand (G>C on the coding strand, the complement: TTN is on the minus strand). VCF-style: chr2-178565451-C-G. GRCh37 (hg19) VCF-style: chr2-179430178-C-G.
Other names: c.75758G>C, p.Gly25253Ala (NM_001256850.1); c.53486G>C, p.Gly17829Ala (NM_003319.4); c.72977G>C, p.Gly24326Ala (NM_133378.4); c.53861G>C, p.Gly17954Ala (NM_133432.3); c.54062G>C, p.Gly18021Ala (NM_133437.4); short protein forms G17829A, G17954A, G18021A, G24326A, G25253A, G26894A.
Identifiers: ClinVar variation 1678497 (VCV001678497.2), dbSNP rs928657933, ClinGen allele CA60988821.